The following is an entry in ClinVar:

NM_001999.4(FBN2):c.7588T>C (p.Cys2530Arg)

Gene: FBN2 (fibrillin 2; minus strand). Cytogenetic location: 5q23.3.
Variant type: single nucleotide variant.
Coding change: c.7588T>C on transcript NM_001999.4 (MANE Select); coding-DNA position 7588, T replaced by C.
Protein change: p.Cys2530Arg; replaces cysteine 2530 with arginine.
Molecular consequence: missense variant.
Genome position (GRCh38, 1-based): chr5:128,276,044, A>G on the plus strand (T>C on the coding strand, the complement: FBN2 is on the minus strand). VCF-style: chr5-128276044-A-G. GRCh37 (hg19) VCF-style: chr5-127611736-A-G.
Other names: short protein forms C2530R.
Identifiers: ClinVar variation 2898900 (VCV002898900.3), dbSNP rs2479643791, ClinGen allele CA360753687.
Genomic context (GRCh38, chr5:128,276,044, plus strand): 5'-TTTGAAAGAAAAGATACAGACTAGGGTCACGATTGTCAGAGACTCTTCACTCACCTTTGC[A>G]TGTCTTTCCATCCTCTTGCAGGACATACCCCCTCGGACATGAACACTGATAACTCCCCTC-3'
Protein context (NP_001990.2, residues 2520-2540): GYVLQEDGKT[Cys2530Arg]KDLDECQTKQ

ClinVar aggregate classification (germline): Uncertain significance (1 of 4 stars; one submission).

Conditions:
Congenital contractural arachnodactyly (CCA). Also called: BEALS SYNDROME; Beals-Hecht syndrome; Arthrogryposis, distal, type 9. Identifiers: Orphanet 115, MedGen C0220668, MONDO:0007363, OMIM 121050.

Submission:

Labcorp Genetics (formerly Invitae), Labcorp
Classification: Uncertain significance for Congenital contractural arachnodactyly. Last evaluated: 2024-01-27. Review status: criteria provided, single submitter. Criteria: Invitae Variant Classification Sherloc (09022015). Collection method: clinical testing. Allele origin: germline.
Comment: This sequence change replaces cysteine, which is neutral and slightly polar, with arginine, which is basic and polar, at codon 2530 of the FBN2 protein (p.Cys2530Arg). This variant is not present in population databases (gnomAD no frequency). This variant has not been reported in the literature in individuals affected with FBN2-related conditions. Advanced modeling of protein sequence and biophysical properties (such as structural, functional, and spatial information, amino acid conservation, physicochemical variation, residue mobility, and thermodynamic stability) performed at Invitae indicates that this missense variant is expected to disrupt FBN2 protein function with a positive predictive value of 80%. In summary, the available evidence is currently insufficient to determine the role of this variant in disease. Therefore, it has been classified as a Variant of Uncertain Significance.